The following is an entry in ClinVar:

NM_002582.4(PARN):c.1331G>A (p.Arg444His)

Gene: PARN (poly(A)-specific ribonuclease; minus strand). Cytogenetic location: 16p13.12.
Variant type: single nucleotide variant.
Coding change: c.1331G>A on transcript NM_002582.4 (MANE Select); coding-DNA position 1331, G replaced by A.
Protein change: p.Arg444His; replaces arginine 444 with histidine.
Molecular consequence: missense variant.
Genome position (GRCh38, 1-based): chr16:14,554,139, C>T on the plus strand (G>A on the coding strand, the complement: PARN is on the minus strand). VCF-style: chr16-14554139-C-T. GRCh37 (hg19) VCF-style: chr16-14647996-C-T.
Other names: c.1331G>A (NM_002582.3); c.1148G>A, p.Arg383His (NM_001134477.3); c.1193G>A, p.Arg398His (NM_001242992.2); short protein forms R383H, R398H, R444H.
Identifiers: ClinVar variation 1062613 (VCV001062613.10), dbSNP rs1171017864, ClinGen allele CA394812101.

ClinVar aggregate classification (germline): Uncertain significance. Review status: criteria provided, multiple submitters, no conflicts (2 of 4 stars). 2 submissions from 2 submitters: Uncertain significance (2). Last evaluated 2025-11-18.

Conditions:
Dyskeratosis congenita, autosomal recessive 6 (DKCB6). Identifiers: MedGen C4225356, MONDO:0014600, OMIM 616353.
Pulmonary fibrosis and/or bone marrow failure, Telomere-related, 4. Also called: PULMONARY FIBROSIS AND/OR BONE MARROW FAILURE SYNDROME, TELOMERE-RELATED, 4. Identifiers: Orphanet 2032, MedGen C4225347, MONDO:0014612, OMIM 616371.
PARN-related disorder. Also called: PARN-related disorders; PARN-related condition.

Allele frequency attached by ClinVar (database versions not stated): gnomAD 0.00001 and 0.00002; gnomAD exomes 0.00002.
gnomAD v4.1: 27 of 1,611,862 alleles (0.0017%); highest among the groups gnomAD compares: Non-Finnish European, 0.0022%; no homozygotes.

Submissions (2):

PreventionGenetics, part of Exact Sciences
Classification: Uncertain significance for PARN-related condition. Last evaluated: 2025-11-18. Review status: criteria provided, single submitter. Criteria: ACMG Guidelines, 2015. Collection method: clinical testing. Allele origin: germline.
Comment: The PARN c.1331G>A variant is predicted to result in the amino acid substitution p.Arg444His. To our knowledge, this variant has not been reported in the literature. This variant is reported in 0.00089% of alleles in individuals of European (Non-Finnish) descent in gnomAD. At this time, the clinical significance of this variant is uncertain due to the absence of conclusive functional and genetic evidence.

Labcorp Genetics (formerly Invitae), Labcorp
Classification: Uncertain significance for Dyskeratosis congenita, autosomal recessive 6; Pulmonary fibrosis and/or bone marrow failure, Telomere-related, 4. Last evaluated: 2025-07-03. Review status: criteria provided, single submitter. Criteria: Invitae Variant Classification Sherloc (09022015). Collection method: clinical testing. Allele origin: germline.
Comment: This sequence change replaces arginine, which is basic and polar, with histidine, which is basic and polar, at codon 444 of the PARN protein (p.Arg444His). This variant is present in population databases (no rsID available, gnomAD 0.0009%). This variant has not been reported in the literature in individuals affected with PARN-related conditions. ClinVar contains an entry for this variant (Variation ID: 1062613). Invitae Evidence Modeling of protein sequence and biophysical properties (such as structural, functional, and spatial information, amino acid conservation, physicochemical variation, residue mobility, and thermodynamic stability) indicates that this missense variant is expected to disrupt PARN protein function with a positive predictive value of 80%. In summary, the available evidence is currently insufficient to determine the role of this variant in disease. Therefore, it has been classified as a Variant of Uncertain Significance.